The following is an entry in ClinVar:

NM_004360.5(CDH1):c.1056del (p.Glu353fs)

Gene: CDH1 (cadherin 1; plus strand). Cytogenetic location: 16q22.1.
Variant type: Deletion.
Coding change: c.1056del on transcript NM_004360.5 (MANE Select); coding-DNA position 1056, one base deleted (T; older notation c.1056delT).
Protein change: p.Glu353fs; shifts the reading frame from glutamic acid 353.
Molecular consequence: frameshift variant. On other transcripts: 5 prime UTR variant (2).
Genome position (GRCh38, 1-based): chr16:68,812,182, T deleted. VCF-style (leftmost placement, unchanged base first): chr16-68812181-GT-G. GRCh37 (hg19) VCF-style: chr16-68846084-GT-G.
Other names: c.1056del, p.Glu353fs (NM_001317184.2); c.-560del (NM_001317185.2); c.-764del (NM_001317186.2); short protein forms E353fs.
Identifiers: ClinVar variation 2502936 (VCV002502936.1), dbSNP rs2543924198, ClinGen allele CA2580612827.

ClinVar aggregate classification (germline): Pathogenic (1 of 4 stars; one submission).

Conditions:
Hereditary diffuse gastric adenocarcinoma (HDGC). Also called: DIFFUSE GASTRIC AND LOBULAR BREAST CANCER SYNDROME. Identifiers: Orphanet 26106, MedGen C1708349, MONDO:0007648, OMIM 137215.

Submission:

European Reference Network on Genetic Tumour Risk Syndromes (ERN-GENTURIS), i3s - Instituto de Investigação e Inovação em Saúde, University of Porto
Classification: Pathogenic for Hereditary diffuse gastric adenocarcinoma. Last evaluated: 2022-08-01. Review status: criteria provided, single submitter. Criteria: Lee et al. (Hum Mutat. 2018). Collection method: clinical testing. Allele origin: germline. Inheritance: Autosomal dominant inheritance. Affected: yes. Study: ERN GENTURIS.
Comment: PVS1; PS4_Supporting; PM2 (PMID: 30311375)

Literature cited by the submitters: PubMed 36436516.